The following is an entry in ClinVar:

ClinVar aggregate classification (germline): Uncertain significance (1 of 4 stars; one submission).

Conditions:
Hereditary cancer-predisposing syndrome. Also called: Tumor predisposition; Hereditary Cancer Syndrome; Hereditary neoplastic syndrome; Neoplastic Syndromes, Hereditary. Identifiers: Orphanet 140162, MedGen C0027672, MeSH D009386, MONDO:0015356.

Submission:

Ambry Genetics
Classification: Uncertain significance for Hereditary cancer-predisposing syndrome. Last evaluated: 2024-05-16. Review status: criteria provided, single submitter. Criteria: Ambry Variant Classification Scheme 2023. Collection method: clinical testing. Allele origin: germline.
Comment: The c.2518delGins16 variant (also known as p.V840delinsQGRNLL), located in coding exon 18 of the MSH3 gene, results from an in-frame deletion of one nucleotide and insertion of 16 nucleotides at nucleotide position 2518. This results in the deletion of a valine residue at codon 840 and insertion of 6 residues (QGRNLL). This amino acid position is highly conserved in available vertebrate species. In addition, this alteration is predicted to be deleterious by in silico analysis (Choi Y et al. PLoS ONE. 2012; 7(10):e46688). Based on the available evidence, the clinical significance of this variant remains unclear.

NM_002439.5(MSH3):c.2518delinsCAAGGGAGAAATCTCC (p.Val840delinsGlnGlyArgAsnLeuLeu)

Gene: MSH3 (mutS homolog 3; plus strand). Cytogenetic location: 5q14.1.
Variant type: Indel.
Coding change: c.2518delinsCAAGGGAGAAATCTCC on transcript NM_002439.5 (MANE Select); coding-DNA position 2518, G replaced by CAAGGGAGAAATCTCC.
Protein change: p.Val840delinsGlnGlyArgAsnLeuLeu.
Molecular consequence: inframe indel.
Genome position (GRCh38, 1-based): chr5:80,787,647, G replaced by CAAGGGAGAAATCTCC. VCF-style: chr5-80787647-G-CAAGGGAGAAATCTCC. GRCh37 (hg19) VCF-style: chr5-80083466-G-CAAGGGAGAAATCTCC.
Identifiers: ClinVar variation 3296281 (VCV003296281.1).
Genomic context (GRCh38, chr5:80,787,647, plus strand): 5'-TCCTTGTGTAAAGCAGTGCATCACCTAGCAACTGTTGACTGCATTTTCTCCCTGGCCAAG[G>CAAGGGAGAAATCTCC]TCGCTAAGCAAGGAGATTACTGCAGGTAAGATATTTTTCATTTTCCTCTTTATCAGTGCT-3'